The following is an entry in ClinVar:

NM_000187.4(HGD):c.649+1G>A

Gene: HGD (homogentisate 1,2-dioxygenase; minus strand). Cytogenetic location: 3q13.33.
Variant type: single nucleotide variant.
Coding change: c.649+1G>A on transcript NM_000187.4 (MANE Select); the canonical splice donor site of the intron after coding-DNA position 649, G replaced by A.
Molecular consequence: splice donor variant.
Genome position (GRCh38, 1-based): chr3:120,646,266, C>T on the plus strand (G>A on the coding strand, the complement: HGD is on the minus strand). VCF-style: chr3-120646266-C-T. GRCh37 (hg19) VCF-style: chr3-120365113-C-T.
Identifiers: ClinVar variation 2584712 (VCV002584712.2), dbSNP rs2472697711, ClinGen allele CA354076301.

ClinVar aggregate classification (germline): Pathogenic (0 of 4 stars; one submission).

Conditions:
Alkaptonuria (AKU). Also called: Alkaptonuric ochronosis; Homogentisic acidura; HOMOGENTISIC ACID OXIDASE DEFICIENCY; Alcaptonuria. Identifiers: Orphanet 56, MedGen C0002066, MONDO:0008753, OMIM 203500.

Allele frequency attached by ClinVar (database versions not stated): gnomAD exomes below 0.00001.
gnomAD v4.1: 4 of 1,579,872 alleles (0.00025%); highest among the groups gnomAD compares: South Asian, 0.0011%; no homozygotes.

Submission:

Department Of Human Genetics, Institute Of Clinical And Translational Research, Biomedical Research Center, Slovak Academy Of Sciences
Classification: Pathogenic for Alkaptonuria. Review status: no assertion criteria provided. Collection method: research. Allele origin: germline. Inheritance: Autosomal recessive inheritance. Affected: yes. Observed: 1 variant allele.
Comment: The variant was originally described in PMID:33621656. It has been submitted to the HGD gene mutation database (DB-ID: AKU_00255).

Literature cited by the submitters: PubMed 33621656.